The following is an entry in ClinVar:

ClinVar aggregate classification (germline): Uncertain significance (1 of 4 stars; one submission).

Submission:

Women's Health and Genetics/Laboratory Corporation of America, LabCorp
Classification: Uncertain significance. Last evaluated: 2025-11-17. Review status: criteria provided, single submitter. Criteria: LabCorp Variant Classification Summary - May 2015. Collection method: clinical testing. Allele origin: germline.
Comment: Variant summary: The variant involves the deletion of exons 1-17 in the VPS53 gene. A presumed nomenclature of c.(?_-131)_(1866+1_1867-1)del has been designated for the purposes of this classification. The exact breakpoint at the 5' end of this variant is unknown, therefore this deletion may extend upstream of the annotated region of this gene. Although the exact breakpoints of this deletion are not known, it is predicted to remove the initiation codon and result in an absence of protein or a truncation of the encoded protein due to translation initiation at a downstream site. Current evidence is not sufficient to establish loss of function as a mechanism for disease. The variant was absent in 21692 control chromosomes. The available data on variant occurrences in the general population are insufficient to allow any conclusion about variant significance. To our knowledge, no occurrence of c.(?_-131)_(1866+1_1867-1)del in individuals affected with VPS53-related conditions and no experimental evidence demonstrating its impact on protein function have been reported. No submitters have cited clinical-significance assessments for this variant to ClinVar. Based on the evidence outlined above, the variant was classified as uncertain significance.

NC_000017.10:g.(440417_455111)_(618080_?)del

Gene: VPS53 (VPS53 subunit of GARP complex; minus strand). Cytogenetic location: 17p13.3.
Variant type: Deletion.
Identifiers: ClinVar variation 4536653 (VCV004536653.1).